The following is an entry in ClinVar:

NC_000023.10:g.(?_32662229)_(32717430_?)del

Gene: DMD (dystrophin; minus strand). Cytogenetic location: Xp21.1.
Variant type: Deletion.
Identifiers: ClinVar variation 2424848 (VCV002424848.4).

ClinVar aggregate classification (germline): Pathogenic (1 of 4 stars; one submission).

Conditions:
Duchenne muscular dystrophy (DMD). Also called: Duchenne Muscular Dystrophy (DMD); MUSCULAR DYSTROPHY, PSEUDOHYPERTROPHIC PROGRESSIVE, DUCHENNE TYPE. Identifiers: Orphanet 98896, MedGen C0013264, MONDO:0010679, OMIM 310200.

Submission:

Labcorp Genetics (formerly Invitae), Labcorp
Classification: Pathogenic for Duchenne muscular dystrophy. Last evaluated: 2022-08-21. Review status: criteria provided, single submitter. Criteria: Invitae Variant Classification Sherloc (09022015). Collection method: clinical testing. Allele origin: germline.
Comment: This variant is a gross deletion of the genomic region encompassing exon(s) 8-11 of the DMD gene. This deletion is out-of-frame, and is expected to create a premature termination codon and result in an absent or disrupted protein product. Loss-of-function variants in DMD are known to be pathogenic (PMID: 16770791, 25007885). A similar copy number variant has been observed in individuals with Duchenne or Becker muscular dystrophy (PMID: 11409318, 15723292, 31081998). For these reasons, this variant has been classified as Pathogenic.

Literature cited by the submitters: PubMed 16770791; PubMed 25007885; PubMed 11409318; PubMed 15723292; PubMed 31081998.